The following is an entry in ClinVar:

ClinVar aggregate classification (germline): Pathogenic (1 of 4 stars; one submission).

Conditions:
Intellectual developmental disorder, autosomal dominant 1. Also called: MBD5 Haploinsufficiency; Intellectual disability, autosomal dominant 1. Identifiers: Orphanet 228402, MedGen C1969562, MONDO:0007974, OMIM 156200.

Submission:

Labcorp Genetics (formerly Invitae), Labcorp
Classification: Pathogenic for Intellectual developmental disorder, autosomal dominant 1. Last evaluated: 2023-02-14. Review status: criteria provided, single submitter. Criteria: Invitae Variant Classification Sherloc (09022015). Collection method: clinical testing. Allele origin: germline.
Comment: This sequence change creates a premature translational stop signal (p.Glu65Glyfs*11) in the MBD5 gene. It is expected to result in an absent or disrupted protein product. Loss-of-function variants in MBD5 are known to be pathogenic (PMID: 23422940, 23587880). This variant is not present in population databases (gnomAD no frequency). This variant has not been reported in the literature in individuals affected with MBD5-related conditions. For these reasons, this variant has been classified as Pathogenic.

Literature cited by the submitters: PubMed 23422940; PubMed 23587880.

NM_001378120.1(MBD5):c.188dup (p.Glu65fs)

Gene: MBD5 (methyl-CpG binding domain protein 5; plus strand). Cytogenetic location: 2q23.1.
Variant type: Duplication.
Coding change: c.188dup on transcript NM_001378120.1 (MANE Select); coding-DNA position 188, one base duplicated (G; older notation c.188dupG).
Protein change: p.Glu65fs; shifts the reading frame from glutamic acid 65.
Molecular consequence: frameshift variant.
Genome position (GRCh38, 1-based): chr2:148,462,656, G duplicated; the last of 2 consecutive G bases (chr2:148,462,655-148,462,656); duplicating either gives the same sequence. VCF-style (leftmost placement, unchanged base first): chr2-148462654-T-TG. GRCh37 (hg19) VCF-style: chr2-149220223-T-TG.
Other names: c.188dup, p.Glu65fs (NM_018328.5); short protein forms E65fs.
Identifiers: ClinVar variation 2837521 (VCV002837521.3), dbSNP rs2469808157, ClinGen allele CA2739271275.